The following is an entry in ClinVar:

NM_000128.4(F11):c.826del (p.Ser276fs)

Gene: F11 (coagulation factor XI; plus strand). Cytogenetic location: 4q35.2.
Variant type: Deletion.
Coding change: c.826del on transcript NM_000128.4 (MANE Select); coding-DNA position 826, one base deleted (T; older notation c.826delT).
Protein change: p.Ser276fs; shifts the reading frame from serine 276.
Molecular consequence: frameshift variant.
Genome position (GRCh38, 1-based): chr4:186,280,082, T deleted; the last of 3 consecutive T bases (chr4:186,280,080-186,280,082); deleting any one gives the same sequence. VCF-style (leftmost placement, unchanged base first): chr4-186280079-CT-C. GRCh37 (hg19) VCF-style: chr4-187201233-CT-C.
Other names: c.826del, p.Ser276fs (NM_001440590.1, NM_001440593.1, NM_001440596.1); c.556del, p.Ser186fs (NM_001440605.1, NM_001440606.1, NM_001440607.1 and 1 more transcripts); short protein forms S186fs, S276fs.
Identifiers: ClinVar variation 5015137 (VCV005015137.1).

ClinVar aggregate classification (germline): Pathogenic (1 of 4 stars; one submission).

Conditions:
Hereditary factor XI deficiency disease. Also called: PLASMA THROMBOPLASTIN ANTECEDENT DEFICIENCY; PTA DEFICIENCY; ROSENTHAL SYNDROME; Congenital factor XI deficiency. Identifiers: Orphanet 329, MedGen C0015523, MeSH D005173, MONDO:0012897, OMIM 612416.

Submission:

Myriad Genetics, Inc.
Classification: Pathogenic for Hereditary factor XI deficiency disease. Last evaluated: 2025-10-25. Review status: criteria provided, single submitter. Criteria: Myriad Autosomal Dominant, Autosomal Recessive and X-Linked Classification Criteria (2023). Collection method: clinical testing. Allele origin: unknown.
Comment: NM_000128.3(F11):c.826delT(S276Lfs*73) is expected to be pathogenic in the context of factor XI deficiency. This variant is predicted to lead to an abnormal or absent protein product due to the creation of a premature termination codon in F11, a gene where loss-of-function variants are known to be pathogenic. Please note: this variant was assessed in the context of healthy population screening.